The following is an entry in ClinVar:

NM_007294.4(BRCA1):c.3979C>T (p.Gln1327Ter)

Genes: BRCA1 (BRCA1 DNA repair associated; minus strand), LOC126862571 (BRD4-independent group 4 enhancer GRCh37_chr17:41243136-41244335; plus strand). Cytogenetic location: 17q21.31.
Variant type: single nucleotide variant.
Coding change: c.3979C>T on transcript NM_007294.4 (MANE Select); coding-DNA position 3979, C replaced by T.
Protein change: p.Gln1327Ter; replaces glutamine 1327 with a stop codon.
Molecular consequence: nonsense. On other transcripts: intron variant (135).
Genome position (GRCh38, 1-based): chr17:43,091,552, G>A on the plus strand (C>T on the coding strand, the complement: BRCA1 is on the minus strand). VCF-style: chr17-43091552-G-A. GRCh37 (hg19) VCF-style: chr17-41243569-G-A.
Other names: c.578-520C>T (NM_001408481.1, NM_001408480.1, NM_001408492.1 and 9 more transcripts); c.779-520C>T (NM_001408408.1); c.662-520C>T (NM_001408446.1, NM_001408435.1, NM_001408448.1 and 6 more transcripts); c.785-520C>T (NM_001408401.1, NM_001408396.1, NM_001407985.1 and 13 more transcripts); c.548-520C>T (NM_001408494.1); c.665-520C>T (NM_001408444.1, NM_001408438.1, NM_001408430.1 and 12 more transcripts); c.671-520C>T (NM_001408423.1, NM_001408420.1, NM_001408419.1 and 2 more transcripts); c.788-520C>T (NM_001408404.1, NM_001408472.1, NM_001407990.1 and 17 more transcripts); and 41 more; short protein forms Q1327*, Q1280*, Q1216*, Q1238*, Q1199*, Q1200*, Q1215*, Q1259*.
Identifiers: ClinVar variation 232360 (VCV000232360.18), dbSNP rs876659720, ClinGen allele CA10580539.
Genomic context (GRCh38, chr17:43,091,552, plus strand): 5'-TTTCTTCATCATCTGAAACCAATTCCTTGTCACTCAGACCAACTCCCTGGCTTTCAGACT[G>A]ATGCCTCATTTGTTTGGAAGAACCAATCAAGAAAGGATCCTGGGTGTTTGTATTTGCAGT-3'

ClinVar aggregate classification (germline): Pathogenic. Review status: reviewed by expert panel (3 of 4 stars). 4 submissions from 4 submitters: Pathogenic (1). 3 of the submissions do not count toward it. Last evaluated 2017-12-15.

Conditions:
Hereditary breast ovarian cancer syndrome. Also called: Breast and ovarian cancer; Hereditary breast and ovarian cancer; Hereditary breast and ovarian cancer syndrome; Hereditary breast and/or ovarian cancer syndrome; BRCA1- and BRCA2-Associated Hereditary Breast and Ovarian Cancer; Hereditary breast and ovarian cancer syndrome (HBOC). Identifiers: Orphanet 145, MedGen C0677776, MeSH D061325, MONDO:0003582. Disease mechanism: loss of function.
Breast-ovarian cancer, familial, susceptibility to, 1 (BROVCA1). Also called: BRCA1 Hereditary Breast and Ovarian Cancer; OVARIAN CANCER, SUSCEPTIBILITY TO. Identifiers: Orphanet 145, MedGen C2676676, MONDO:0011450, OMIM 604370. Disease mechanism: loss of function.
Hereditary cancer-predisposing syndrome. Also called: Tumor predisposition; Hereditary Cancer Syndrome; Neoplastic Syndromes, Hereditary; Hereditary neoplastic syndrome. Identifiers: Orphanet 140162, MedGen C0027672, MeSH D009386, MONDO:0015356.

Allele frequency attached by ClinVar (database versions not stated): gnomAD exomes below 0.00001.
gnomAD v4.1: 1 of 1,614,160 alleles (0.000062%); highest among the groups gnomAD compares: Non-Finnish European, 0.000085%; no homozygotes.

Submissions (4):

Evidence-based Network for the Interpretation of Germline Mutant Alleles (ENIGMA)
Classification: Pathogenic for Breast-ovarian cancer, familial, susceptibility to, 1. Last evaluated: 2017-12-15. Review status: reviewed by expert panel. Criteria: ENIGMA BRCA1/2 Classification Criteria (2017-06-29). Collection method: curation. Allele origin: germline. Study: ENIGMA.
Comment: Variant allele predicted to encode a truncated non-functional protein.

Laboratorio de Genetica e Diagnostico Molecular, Hospital Israelita Albert Einstein
Classification: Pathogenic for Breast-ovarian cancer, familial, susceptibility to, 1. Last evaluated: 2022-12-01. Review status: criteria provided, single submitter. Criteria: ACMG Guidelines, 2015. Collection method: clinical testing. Allele origin: germline. Affected: yes. Observed: 1 variant allele. Not counted in ClinVar's aggregate classification.
Comment: ACMG classification criteria: PVS1 very strong, PS4 strong, PM2 moderated

Labcorp Genetics (formerly Invitae), Labcorp
Classification: Pathogenic for Hereditary breast ovarian cancer syndrome. Last evaluated: 2022-08-23. Review status: criteria provided, single submitter. Criteria: Invitae Variant Classification Sherloc (09022015). Collection method: clinical testing. Allele origin: germline. Not counted in ClinVar's aggregate classification.
Comment: This variant is not present in population databases (gnomAD no frequency). This sequence change creates a premature translational stop signal (p.Gln1327*) in the BRCA1 gene. It is expected to result in an absent or disrupted protein product. Loss-of-function variants in BRCA1 are known to be pathogenic (PMID: 20104584). For these reasons, this variant has been classified as Pathogenic. Algorithms developed to predict the effect of sequence changes on RNA splicing suggest that this variant may disrupt the consensus splice site. ClinVar contains an entry for this variant (Variation ID: 232360). This premature translational stop signal has been observed in individual(s) with a personal or family history of breast and/or ovarian cancer (PMID: 24549055).

Ambry Genetics
Classification: Pathogenic for Hereditary cancer-predisposing syndrome. Last evaluated: 2018-07-21. Review status: criteria provided, single submitter. Criteria: Ambry Variant Classification Scheme 2023. Collection method: clinical testing. Allele origin: germline. Not counted in ClinVar's aggregate classification.
Comment: The p.Q1327* pathogenic mutation (also known as c.3979C>T), located in coding exon 9 of the BRCA1 gene, results from a C to T substitution at nucleotide position 3979. This changes the amino acid from a glutamine to a stop codon within coding exon 9. This mutation has been previously detected in a series of breast/ovarian cancer patients (Cast&eacute;ra L et al. Eur. J. Hum. Genet. 2014 Nov;22(11):1305-13). In addition to the clinical data presented in the literature, this alteration is expected to result in loss of function by premature protein truncation or nonsense-mediated mRNA decay. As such, this alteration is interpreted as a disease-causing mutation.

Literature cited by the submitters: PubMed 20104584 (cited by Labcorp Genetics (formerly Invitae), Labcorp); PubMed 24549055 (cited by Labcorp Genetics (formerly Invitae), Labcorp and Ambry Genetics).